The following is an entry in ClinVar:

ClinVar aggregate classification (germline): Conflicting classifications of pathogenicity. Review status: criteria provided, conflicting classifications (1 of 4 stars). 6 submissions from 6 submitters: Uncertain significance (5); Likely benign (1). Last evaluated 2026-09-11.

Conditions:
MYH6-related disorder. Also called: MYH6-Related Disorders; MYH6-related condition.
Cardiovascular phenotype. Identifiers: MedGen CN230736.
Hypertrophic cardiomyopathy 14. Identifiers: MedGen C2750467, MONDO:0013197, OMIM 613251.

Allele frequency attached by ClinVar (database versions not stated): ExAC 0.00005; gnomAD exomes 0.00005; gnomAD 0.00010; ESP Exome Variant Server 0.00015; 1000 Genomes Project 30x 0.00016; 1000 Genomes Project 0.00020; TOPMed 0.00020.

Submissions (6):

PreventionGenetics, part of Exact Sciences
Classification: Uncertain significance for MYH6-related condition. Last evaluated: 2026-09-11. Review status: criteria provided, single submitter. Criteria: ACMG Guidelines, 2015. Collection method: clinical testing. Allele origin: germline.
Comment: The MYH6 c.1347G>T variant is predicted to result in the amino acid substitution p.Glu449Asp. To our knowledge, this variant has not been reported in the literature. This variant is reported in 0.048% of alleles in individuals of African descent in gnomAD. Although we suspect that this variant may be benign, at this time, the clinical significance of this variant is uncertain due to the absence of conclusive functional and genetic evidence.

Labcorp Genetics (formerly Invitae), Labcorp
Classification: Uncertain significance for Hypertrophic cardiomyopathy 14. Last evaluated: 2025-09-25. Review status: criteria provided, single submitter. Criteria: Invitae Variant Classification Sherloc (09022015). Collection method: clinical testing. Allele origin: germline.
Comment: This sequence change replaces glutamic acid, which is acidic and polar, with aspartic acid, which is acidic and polar, at codon 449 of the MYH6 protein (p.Glu449Asp). This variant is present in population databases (rs142059069, gnomAD 0.05%), and has an allele count higher than expected for a pathogenic variant. This variant has not been reported in the literature in individuals affected with MYH6-related conditions. ClinVar contains an entry for this variant (Variation ID: 228887). An algorithm developed to predict the effect of missense changes on protein structure and function (PolyPhen-2) suggests that this variant is likely to be tolerated. In summary, the available evidence is currently insufficient to determine the role of this variant in disease. Therefore, it has been classified as a Variant of Uncertain Significance.

Ambry Genetics
Classification: Uncertain significance for Cardiovascular phenotype. Last evaluated: 2023-10-02. Review status: criteria provided, single submitter. Criteria: Ambry Variant Classification Scheme 2023. Collection method: clinical testing. Allele origin: germline.
Comment: The p.E449D variant (also known as c.1347G>T), located in coding exon 11 of the MYH6 gene, results from a G to T substitution at nucleotide position 1347. The glutamic acid at codon 449 is replaced by aspartic acid, an amino acid with highly similar properties. This amino acid position is not well conserved in available vertebrate species. In addition, this alteration is predicted to be tolerated by in silico analysis. Since supporting evidence is limited at this time, the clinical significance of this alteration remains unclear.

Women's Health and Genetics/Laboratory Corporation of America, LabCorp
Classification: Likely benign. Last evaluated: 2022-05-09. Review status: criteria provided, single submitter. Criteria: LabCorp Variant Classification Summary - May 2015. Collection method: clinical testing. Allele origin: germline.
Comment: Variant summary: MYH6 c.1347G>T (p.Glu449Asp) results in a conservative amino acid change located in the Myosin head, motor domain (IPR001609) of the encoded protein sequence. Four of five in-silico tools predict a benign effect of the variant on protein function. The variant allele was found at a frequency of 4.9e-05 in 282878 control chromosomes (gnomAD), predominantly at a frequency of 0.00048 within the African or African-American subpopulation in the gnomAD database. The observed variant frequency within African or African-American control individuals in the gnomAD database is approximately 19 fold of the estimated maximal expected allele frequency for a pathogenic variant in MYH6 causing Cardiomyopathy phenotype (2.5e-05), strongly suggesting that the variant is a benign polymorphism found primarily in populations of African or African-American origin. To our knowledge, no occurrence of c.1347G>T in individuals affected with Cardiomyopathy and no experimental evidence demonstrating its impact on protein function have been reported. Three ClinVar submitters have assessed the variant since 2014: all classified the variant as of uncertain significance. Based on the evidence outlined above, the variant was classified as likely benign.

GeneDx
Classification: Uncertain significance. Last evaluated: 2021-03-08. Review status: criteria provided, single submitter. Criteria: GeneDx Variant Classification Process June 2021. Collection method: clinical testing. Allele origin: germline. Affected: yes.
Comment: Has not been previously published as pathogenic or benign to our knowledge; In silico analysis, which includes protein predictors and evolutionary conservation, supports that this variant does not alter protein structure/function; Reported in ClinVar as a variant of uncertain significance (ClinVar Variant ID# 228887; Landrum et al., 2016)

Laboratory for Molecular Medicine, Mass General Brigham Personalized Medicine
Classification: Uncertain significance. Last evaluated: 2015-12-23. Review status: criteria provided, single submitter. Criteria: LMM Criteria. Collection method: clinical testing. Allele origin: germline. Observed: 1 variant allele.
Comment: Variant classified as Uncertain Significance - Favor Benign. The p.Glu449Asp var iant in MYH6 has not been previously reported in individuals with cardiomyopathy , but has been identified in 4/10406 African chromosomes by the Exome Aggregatio n Consortium (ExAC; dbSNP rs142059069). Glutamic acid (Glu) has been identified in >20 species raising the possibility that this change may be tolerated. In summary, while the clinical significance of the p.G lu449Asp variant is uncertain, these data suggest that it is more likely to be b enign.

NM_002471.4(MYH6):c.1347G>T (p.Glu449Asp)

Gene: MYH6 (myosin heavy chain 6; minus strand). Cytogenetic location: 14q11.2.
Variant type: single nucleotide variant.
Coding change: c.1347G>T on transcript NM_002471.4 (MANE Select); coding-DNA position 1347, G replaced by T.
Protein change: p.Glu449Asp; replaces glutamic acid 449 with aspartic acid.
Molecular consequence: missense variant.
Genome position (GRCh38, 1-based): chr14:23,400,772, C>A on the plus strand (G>T on the coding strand, the complement: MYH6 is on the minus strand). VCF-style: chr14-23400772-C-A. GRCh37 (hg19) VCF-style: chr14-23869981-C-A.
Other names: short protein forms E449D.
Identifiers: ClinVar variation 228887 (VCV000228887.18), dbSNP rs142059069, ClinGen allele CA7115834.
Genomic context (GRCh38, chr14:23,400,772, plus strand): 5'-GAAGATCTCGAAGCCAGCGATGTCCAGGACTCCTATGAAGTACTGGCGTGGCTGCTTGGT[C>A]TCCAGGGTGGCGTTGATGCGCGTCACCATCCAGTTGAACATCTTCTCATACACTGCCTTG-3'
Protein context (NP_002462.2, residues 439-459): WMVTRINATL[Glu449Asp]TKQPRQYFIG